The following is an entry in ClinVar:

ClinVar aggregate classification (germline): Likely benign. Review status: criteria provided, multiple submitters, no conflicts (2 of 4 stars). 3 submissions from 3 submitters: Likely benign (2). 1 of the submissions does not count toward it. Last evaluated 2025-12-22.

Conditions:
HGSNAT-related disorder. Also called: HGSNAT-related condition.
Mucopolysaccharidosis, MPS-III-C (MPS3C). Also called: MPS III C; Mucopolysaccharidosis type IIIC (Sanfilippo C); SANFILIPPO SYNDROME C; MUCOPOLYSACCHARIDOSIS, TYPE IIIC; mucopolysaccharidosis type 3C; MPS IIIC (Sanfilippo Syndrome Type C). Identifiers: Orphanet 581, Orphanet 79271, MedGen C0086649, MONDO:0009657, OMIM 252930.
Retinitis pigmentosa 73 (RP73). Identifiers: Orphanet 791, MedGen C4225287, MONDO:0014687, OMIM 616544.

Allele frequency attached by ClinVar (database versions not stated): TOPMed 0.00003; ExAC 0.00004; gnomAD exomes 0.00002; gnomAD 0.00006.
gnomAD v4.1: 38 of 1,610,014 alleles (0.0024%); highest among the groups gnomAD compares: African/African-American, 0.015%; no homozygotes.

Submissions (3):

Labcorp Genetics (formerly Invitae), Labcorp
Classification: Likely benign for Retinitis pigmentosa 73; Mucopolysaccharidosis, MPS-III-C. Last evaluated: 2025-12-22. Review status: criteria provided, single submitter. Criteria: Invitae Variant Classification Sherloc (09022015). Collection method: clinical testing. Allele origin: germline.

Blueprint Genetics
Classification: Likely benign. Last evaluated: 2022-12-19. Review status: criteria provided, single submitter. Criteria: ACMG Guidelines, 2015. Collection method: clinical testing. Allele origin: germline.

PreventionGenetics, part of Exact Sciences
Classification: Likely benign for HGSNAT-related condition. Last evaluated: 2024-08-26. Review status: no assertion criteria provided. Collection method: clinical testing. Allele origin: germline. Not counted in ClinVar's aggregate classification.
Comment: This variant is classified as likely benign based on ACMG/AMP sequence variant interpretation guidelines (Richards et al. 2015 PMID: 25741868, with internal and published modifications).

NM_152419.3(HGSNAT):c.666C>T (p.Leu222=)

Gene: HGSNAT (heparan-alpha-glucosaminide N-acetyltransferase; plus strand). Cytogenetic location: 8p11.21.
Variant type: single nucleotide variant.
Coding change: c.666C>T on transcript NM_152419.3 (MANE Select); coding-DNA position 666, C replaced by T.
Protein change: p.Leu222=; no amino-acid change (leucine 222 retained).
Molecular consequence: synonymous variant. On other transcripts: 5 prime UTR variant (1).
Genome position (GRCh38, 1-based): chr8:43,170,617, C>T. VCF-style: chr8-43170617-C-T. GRCh37 (hg19) VCF-style: chr8-43025760-C-T.
Other names: c.666C>T, p.Leu222= (NM_001363227.2, NM_001363228.2); c.-168C>T (NM_001363229.2); c.666C>T (NM_152419.2).
Identifiers: ClinVar variation 1114608 (VCV001114608.9), dbSNP rs754275273, ClinGen allele CA4736582.
Genomic context (GRCh38, chr8:43,170,617, plus strand): 5'-TGTCATCTTTCTCCCTTTTTTTCTGAAGGAGCTGGGATCTCCCAGCAGGACAGACCCTCT[C>T]GATGGTGATGTTCAGCCAGCAACGTGGCGTCTATCTGCCCTGCCGCCCCGCCTCCGCAGC-3'
Protein context (NP_689632.2, residues 212-232): ELGSPSRTDP[Leu222=]DGDVQPATWR